The following is an entry in ClinVar:

NM_001040142.2(SCN2A):c.1416A>G (p.Arg472=)

Gene: SCN2A (sodium voltage-gated channel alpha subunit 2; plus strand). Cytogenetic location: 2q24.3.
Variant type: single nucleotide variant.
Coding change: c.1416A>G on transcript NM_001040142.2 (MANE Select); coding-DNA position 1416, A replaced by G.
Protein change: p.Arg472=; no amino-acid change (arginine 472 retained).
Molecular consequence: synonymous variant.
Genome position (GRCh38, 1-based): chr2:165,315,503, A>G. VCF-style: chr2-165315503-A-G. GRCh37 (hg19) VCF-style: chr2-166172013-A-G.
Other names: p.R472R:AGA>AGG; c.1416A>G, p.Arg472= (NM_001040143.2, NM_001371246.1, NM_001371247.1 and 1 more transcripts).
Identifiers: ClinVar variation 139027 (VCV000139027.61), dbSNP rs200246820, ClinGen allele CA293282.

ClinVar aggregate classification (germline): Benign/Likely benign. Review status: criteria provided, multiple submitters, no conflicts (2 of 4 stars). 9 submissions from 9 submitters: Benign (2); Likely benign (5). 2 of the submissions do not count toward it. Last evaluated 2026-01-01.

Conditions:
SCN2A-related disorder. Also called: SCN2A-related disorders; SCN2A-related condition. Identifiers: MedGen CN382226, MONDO:1060245.
Inborn genetic diseases. Identifiers: MedGen C0950123, MeSH D030342.
Seizures, benign familial infantile, 3 (BFIS3). Also called: CONVULSIONS, BENIGN FAMILIAL INFANTILE, 3; Familial neonatal seizures. Identifiers: Orphanet 140927, Orphanet 306, MedGen C1843140, MONDO:0011904, OMIM 607745.
Developmental and epileptic encephalopathy, 11 (DEE11). Also called: Early infantile epileptic encephalopathy 11. Identifiers: Orphanet 1934, MedGen C3150987, MONDO:0013388, OMIM 613721.

Allele frequency attached by ClinVar (database versions not stated): ExAC 0.00028; gnomAD exomes 0.00029 and 0.00073; TOPMed 0.00034; gnomAD 0.00038 and 0.00040; ESP Exome Variant Server 0.00046.
gnomAD v4.1: 1,098 of 1,613,826 alleles (0.068%); highest among the groups gnomAD compares: Non-Finnish European, 0.09%; no homozygotes.

Submissions (9):

Labcorp Genetics (formerly Invitae), Labcorp
Classification: Likely benign for Seizures, benign familial infantile, 3; Developmental and epileptic encephalopathy, 11. Last evaluated: 2026-01-01. Review status: criteria provided, single submitter. Criteria: Invitae Variant Classification Sherloc (09022015). Collection method: clinical testing. Allele origin: germline.

PreventionGenetics, part of Exact Sciences
Classification: Likely benign for SCN2A-related condition. Last evaluated: 2025-10-06. Review status: criteria provided, single submitter. Criteria: ACMG Guidelines, 2015. Collection method: clinical testing. Allele origin: germline.
Comment: This variant is classified as likely benign based on ACMG/AMP sequence variant interpretation guidelines (Richards et al. 2015 PMID: 25741868, with internal and published modifications).

CeGaT Center for Human Genetics Tuebingen
Classification: Likely benign. Last evaluated: 2025-07-01. Review status: criteria provided, single submitter. Criteria: CeGaT Center For Human Genetics Tuebingen Variant Classification Criteria Version 2. Collection method: clinical testing. Allele origin: germline. Affected: yes. Observed: 5 variant alleles.
Comment: SCN2A: BP4, BS1

Blueprint Genetics
Classification: Likely benign. Last evaluated: 2024-11-21. Review status: criteria provided, single submitter. Criteria: ACMG Guidelines, 2015. Collection method: clinical testing. Allele origin: germline.

Illumina Laboratory Services, Illumina
Classification: Benign for Seizures, benign familial infantile, 3. Last evaluated: 2018-01-13. Review status: criteria provided, single submitter. Criteria: ICSL Variant Classification Criteria 13 December 2019. Collection method: clinical testing. Allele origin: germline.
Comment: This variant was observed in the ICSL laboratory as part of a predisposition screen in an ostensibly healthy population. It had not been previously curated by ICSL or reported in the Human Gene Mutation Database (HGMD: prior to June 1st, 2018), and was therefore a candidate for classification through an automated scoring system. Utilizing variant allele frequency, disease prevalence and penetrance estimates, and inheritance mode, an automated score was calculated to assess if this variant is too frequent to cause the disease. Based on the score and internal cut-off values, a variant classified as benign is not then subjected to further curation. The score for this variant resulted in a classification of benign for this disease.

Ambry Genetics
Classification: Likely benign for Inborn genetic diseases. Last evaluated: 2016-09-08. Review status: criteria provided, single submitter. Criteria: Ambry Variant Classification Scheme 2023. Collection method: clinical testing. Allele origin: germline.

GeneDx
Classification: Benign. Last evaluated: 2014-03-18. Review status: criteria provided, single submitter. Criteria: GeneDx Variant Classification (06012015). Collection method: clinical testing. Allele origin: germline. Affected: yes.
Comment: This variant is considered likely benign or benign based on one or more of the following criteria: it is a conservative change, it occurs at a poorly conserved position in the protein, it is predicted to be benign by multiple in silico algorithms, and/or has population frequency not consistent with disease.

Clinical Genetics DNA and cytogenetics Diagnostics Lab, Erasmus MC, Erasmus Medical Center
Classification: Likely benign. Review status: no assertion criteria provided. Collection method: clinical testing. Allele origin: germline. Affected: yes. Study: VKGL Data-share Consensus. Not counted in ClinVar's aggregate classification.

Genome Diagnostics Laboratory, University Medical Center Utrecht
Classification: Likely benign. Review status: no assertion criteria provided. Collection method: clinical testing. Allele origin: germline. Affected: yes. Study: VKGL Data-share Consensus. Not counted in ClinVar's aggregate classification.